The following is an entry in ClinVar:

ClinVar aggregate classification (germline): Pathogenic/Likely pathogenic. Review status: criteria provided, multiple submitters, no conflicts (2 of 4 stars). 2 submissions from 2 submitters: Pathogenic (1); Likely pathogenic (1). Last evaluated 2024-05-17.

Conditions:
Pituitary hormone deficiency, combined, 2. Also called: ATELIOTIC DWARFISM WITH HYPOGONADISM; HANHART DWARFISM; PROP1-Related Combined Pituitary Hormone Deficiency; PITUITARY DWARFISM III. Identifiers: MedGen C0878683, MONDO:0009878, OMIM 262600.

Submissions (2):

Fulgent Genetics
Classification: Likely pathogenic for Pituitary hormone deficiency, combined, 2. Last evaluated: 2024-05-17. Review status: criteria provided, single submitter. Criteria: ACMG Guidelines, 2015. Collection method: clinical testing. Allele origin: germline.

Labcorp Genetics (formerly Invitae), Labcorp
Classification: Pathogenic. Last evaluated: 2023-07-09. Review status: criteria provided, single submitter. Criteria: Invitae Variant Classification Sherloc (09022015). Collection method: clinical testing. Allele origin: germline.
Comment: This sequence change creates a premature translational stop signal (p.Pro32Argfs*133) in the PROP1 gene. While this is not anticipated to result in nonsense mediated decay, it is expected to disrupt the last 195 amino acid(s) of the PROP1 protein. This variant is not present in population databases (gnomAD no frequency). This variant has not been reported in the literature in individuals affected with PROP1-related conditions. ClinVar contains an entry for this variant (Variation ID: 2023152). This variant disrupts a region of the PROP1 protein in which other variant(s) (p.Trp194*) have been determined to be pathogenic (PMID: 15941866, 20381582). This suggests that this is a clinically significant region of the protein, and that variants that disrupt it are likely to be disease-causing. For these reasons, this variant has been classified as Pathogenic.

Literature cited by the submitters: PubMed 15941866 (cited by Labcorp Genetics (formerly Invitae), Labcorp); PubMed 20381582 (cited by Labcorp Genetics (formerly Invitae), Labcorp).

NM_006261.5(PROP1):c.95del (p.Pro32fs)

Gene: PROP1 (PROP paired-like homeobox 1; minus strand). Cytogenetic location: 5q35.3.
Variant type: Deletion.
Coding change: c.95del on transcript NM_006261.5 (MANE Select); coding-DNA position 95, one base deleted (C; older notation c.95delC).
Protein change: p.Pro32fs; shifts the reading frame from proline 32.
Molecular consequence: frameshift variant.
Genome position (GRCh38, 1-based): chr5:177,995,839, G deleted on the plus strand (C on the coding strand, the reverse complement: PROP1 is on the minus strand); the first of 4 consecutive G bases (chr5:177,995,839-177,995,842); deleting any one gives the same sequence. VCF-style (leftmost placement, unchanged base first): chr5-177995838-CG-C. GRCh37 (hg19) VCF-style: chr5-177422839-CG-C.
Other names: short protein forms P32fs.
Identifiers: ClinVar variation 2023152 (VCV002023152.5), dbSNP rs2480292680, ClinGen allele CA2580074149.